The following is an entry in ClinVar:

ClinVar aggregate classification (germline): Uncertain significance (1 of 4 stars; one submission).

Conditions:
Severe combined immunodeficiency due to DNA-PKcs deficiency. Also called: IMMUNODEFICIENCY 26 WITH NEUROLOGIC ABNORMALITIES; Immunodeficiency 26 with or without neurologic abnormalities. Identifiers: Orphanet 317425, MedGen C4014833, MONDO:0014423, OMIM 615966.

Allele frequency attached by ClinVar (database versions not stated): gnomAD exomes 0.00001.
gnomAD v4.1: 4 of 1,613,920 alleles (0.00025%); highest among the groups gnomAD compares: Admixed American, 0.005%; no homozygotes.

Submission:

Labcorp Genetics (formerly Invitae), Labcorp
Classification: Uncertain significance for Severe combined immunodeficiency due to DNA-PKcs deficiency. Last evaluated: 2022-08-16. Review status: criteria provided, single submitter. Criteria: Invitae Variant Classification Sherloc (09022015). Collection method: clinical testing. Allele origin: germline.
Comment: This sequence change replaces methionine, which is neutral and non-polar, with valine, which is neutral and non-polar, at codon 2568 of the PRKDC protein (p.Met2568Val). This variant is present in population databases (no rsID available, gnomAD 0.009%). This variant has not been reported in the literature in individuals affected with PRKDC-related conditions. ClinVar contains an entry for this variant (Variation ID: 1470018). Experimental studies and prediction algorithms are not available or were not evaluated, and the functional significance of this variant is currently unknown. In summary, the available evidence is currently insufficient to determine the role of this variant in disease. Therefore, it has been classified as a Variant of Uncertain Significance.

NM_006904.7(PRKDC):c.7702A>G (p.Met2568Val)

Gene: PRKDC (protein kinase, DNA-activated, catalytic subunit; minus strand). Cytogenetic location: 8q11.21.
Variant type: single nucleotide variant.
Coding change: c.7702A>G on transcript NM_006904.7 (MANE Select); coding-DNA position 7702, A replaced by G.
Protein change: p.Met2568Val; replaces methionine 2568 with valine.
Molecular consequence: missense variant.
Genome position (GRCh38, 1-based): chr8:47,837,271, T>C on the plus strand (A>G on the coding strand, the complement: PRKDC is on the minus strand). VCF-style: chr8-47837271-T-C. GRCh37 (hg19) VCF-style: chr8-48749832-T-C.
Other names: c.7702A>G, p.Met2568Val (NM_001081640.2); short protein forms M2568V.
Identifiers: ClinVar variation 1470018 (VCV001470018.3), dbSNP rs1246591267, ClinGen allele CA371152707.